The following is an entry in ClinVar:

ClinVar aggregate classification (germline): Pathogenic. Review status: reviewed by expert panel (3 of 4 stars). 4 submissions from 4 submitters: Pathogenic (1). 3 of the submissions do not count toward it. Last evaluated 2013-09-05.

Conditions:
Lynch syndrome. Identifiers: Orphanet 144, MedGen C4552100, MONDO:0005835. Disease mechanism: loss of function.
Hereditary nonpolyposis colorectal neoplasms. Identifiers: MedGen C0009405, MeSH D003123.
Lynch syndrome 5 (LYNCH5). Also called: Colorectal cancer, hereditary nonpolyposis, type 5; Hereditary non-polyposis colorectal cancer, type 5. Identifiers: Orphanet 144, MedGen C1833477, MONDO:0013710, OMIM 614350. Disease mechanism: loss of function.
Hereditary cancer-predisposing syndrome. Also called: Tumor predisposition; Hereditary Cancer Syndrome; Hereditary neoplastic syndrome; Neoplastic Syndromes, Hereditary. Identifiers: Orphanet 140162, MedGen C0027672, MeSH D009386, MONDO:0015356.

Submissions (4):

International Society for Gastrointestinal Hereditary Tumours (InSiGHT)
Classification: Pathogenic for Lynch Syndrome. Last evaluated: 2013-09-05. Review status: reviewed by expert panel. Criteria: Guidelines v1.9. Collection method: research. Allele origin: germline.
Comment: Coding sequence variation resulting in a stop codon

Classified with v1.9 guidelines

Ambry Genetics
Classification: Pathogenic for Hereditary cancer-predisposing syndrome. Last evaluated: 2025-01-09. Review status: criteria provided, single submitter. Criteria: Ambry Variant Classification Scheme 2023. Collection method: clinical testing. Allele origin: germline. Not counted in ClinVar's aggregate classification.
Comment: The c.3198_3199dupTA pathogenic mutation, located in coding exon 5 of the MSH6 gene, results from a duplication of TA at nucleotide positions 3198 to 3199, causing a translational frameshift with a predicted alternate stop codon (p.S1067Ifs*13). This variant is considered to be rare based on population cohorts in the Genome Aggregation Database (gnomAD). This alteration is expected to result in loss of function by premature protein truncation or nonsense-mediated mRNA decay. As such, this alteration is interpreted as a disease-causing mutation.

Labcorp Genetics (formerly Invitae), Labcorp
Classification: Pathogenic for Hereditary nonpolyposis colorectal neoplasms. Last evaluated: 2024-10-10. Review status: criteria provided, single submitter. Criteria: Invitae Variant Classification Sherloc (09022015). Collection method: clinical testing. Allele origin: germline. Not counted in ClinVar's aggregate classification.
Comment: This sequence change creates a premature translational stop signal (p.Ser1067Ilefs*13) in the MSH6 gene. It is expected to result in an absent or disrupted protein product. Loss-of-function variants in MSH6 are known to be pathogenic (PMID: 18269114, 24362816). This variant is not present in population databases (gnomAD no frequency). This premature translational stop signal has been observed in individual(s) with endometrial cancer (PMID: 12732731). This variant is also known as "Insert TA after 3195". For these reasons, this variant has been classified as Pathogenic.

Myriad Genetics, Inc.
Classification: Pathogenic for Lynch syndrome 5. Last evaluated: 2023-08-22. Review status: criteria provided, single submitter. Criteria: Myriad Autosomal Dominant, Autosomal Recessive and X-Linked Classification Criteria (2023). Collection method: clinical testing. Allele origin: unknown. Not counted in ClinVar's aggregate classification.
Comment: This variant is considered pathogenic. This variant creates a frameshift predicted to result in premature protein truncation.

Literature cited by the submitters: PubMed 18269114 (cited by Labcorp Genetics (formerly Invitae), Labcorp); PubMed 24362816 (cited by Labcorp Genetics (formerly Invitae), Labcorp); PubMed 12732731 (cited by Labcorp Genetics (formerly Invitae), Labcorp).

NM_000179.3(MSH6):c.3198_3199dup (p.Ser1067fs)

Gene: MSH6 (mutS homolog 6; plus strand). Cytogenetic location: 2p16.3.
Variant type: Microsatellite.
Coding change: c.3198_3199dup on transcript NM_000179.3 (MANE Select); coding-DNA positions 3198 to 3199, 2 bases duplicated (TA; older notation c.3198_3199dupTA).
Protein change: p.Ser1067fs; shifts the reading frame from serine 1067.
Molecular consequence: frameshift variant.
Genome position (GRCh38, 1-based): chr2:47,803,445-47,803,446, TA duplicated; duplicating any 2 consecutive bases within chr2:47,803,443-47,803,446 gives the same sequence; the c. name uses the placement nearest the transcript's 3' end. VCF-style (leftmost placement, unchanged base first): chr2-47803442-C-CTA. GRCh37 (hg19) VCF-style: chr2-48030581-C-CTA.
Other names: c.2808_2809dup, p.Ser937fs (NM_001281492.2); c.2292_2293dup, p.Ser765fs (NM_001281493.2, NM_001281494.2); c.3198_3199dupTA (NM_000179.2); short protein forms S937fs, S765fs, S1067fs.
Identifiers: ClinVar variation 89351 (VCV000089351.13), dbSNP rs63749821, ClinGen allele CA011888.